The following is an entry in ClinVar:

NM_001370259.2(MEN1):c.766C>T (p.Leu256Phe)

Gene: MEN1 (menin 1; minus strand). Cytogenetic location: 11q13.1.
Variant type: single nucleotide variant.
Coding change: c.766C>T on transcript NM_001370259.2 (MANE Select); coding-DNA position 766, C replaced by T.
Protein change: p.Leu256Phe; replaces leucine 256 with phenylalanine.
Molecular consequence: missense variant.
Genome position (GRCh38, 1-based): chr11:64,807,569, G>A on the plus strand (C>T on the coding strand, the complement: MEN1 is on the minus strand). VCF-style: chr11-64807569-G-A. GRCh37 (hg19) VCF-style: chr11-64575041-G-A.
Other names: c.781C>T, p.Leu261Phe (NM_000244.4, NM_130800.3, NM_130801.3 and 3 more transcripts); c.766C>T, p.Leu256Phe (NM_001370251.2, NM_001370260.2, NM_001370261.2 and 1 more transcripts); c.661C>T, p.Leu221Phe (NM_001370262.2, NM_001370263.2); short protein forms L256F, L261F, L221F.
Identifiers: ClinVar variation 241826 (VCV000241826.10), dbSNP rs878855198, ClinGen allele CA10582938.

ClinVar aggregate classification (germline): Pathogenic/Likely pathogenic. Review status: criteria provided, multiple submitters, no conflicts (2 of 4 stars). 2 submissions from 2 submitters: Pathogenic (1); Likely pathogenic (1). Last evaluated 2024-01-09.

Conditions:
Multiple endocrine neoplasia, type 1 (MEN1). Also called: MEN I; WERMER SYNDROME; Endocrine adenomatosis multiple; MEN 1; MEA I. Identifiers: Orphanet 652, MedGen C0025267, MeSH D018761, MONDO:0007540, OMIM 131100.

Submissions (2):

Labcorp Genetics (formerly Invitae), Labcorp
Classification: Likely pathogenic for Multiple endocrine neoplasia, type 1. Last evaluated: 2024-01-09. Review status: criteria provided, single submitter. Criteria: Invitae Variant Classification Sherloc (09022015). Collection method: clinical testing. Allele origin: germline.
Comment: This sequence change replaces leucine, which is neutral and non-polar, with phenylalanine, which is neutral and non-polar, at codon 256 of the MEN1 protein (p.Leu256Phe). This variant is not present in population databases (gnomAD no frequency). This missense change has been observed in individuals with MEN1-related conditions (PMID: 17623761, 29497973, 30374176). ClinVar contains an entry for this variant (Variation ID: 241826). Advanced modeling of protein sequence and biophysical properties (such as structural, functional, and spatial information, amino acid conservation, physicochemical variation, residue mobility, and thermodynamic stability) performed at Invitae indicates that this missense variant is expected to disrupt MEN1 protein function with a positive predictive value of 95%. In summary, the currently available evidence indicates that the variant is pathogenic, but additional data are needed to prove that conclusively. Therefore, this variant has been classified as Likely Pathogenic.

Clinical Genetics and Genomics, Karolinska University Hospital
Classification: Pathogenic. Last evaluated: 2018-03-05. Review status: criteria provided, single submitter. Criteria: ACMG Guidelines, 2015. Collection method: clinical testing. Allele origin: germline. Affected: yes. Observed: 1 variant allele.

Literature cited by the submitters: PubMed 17623761 (cited by Labcorp Genetics (formerly Invitae), Labcorp); PubMed 29497973 (cited by Labcorp Genetics (formerly Invitae), Labcorp); PubMed 30374176 (cited by Labcorp Genetics (formerly Invitae), Labcorp).